The following is an entry in ClinVar:

NM_001429.4(EP300):c.478C>T (p.Gln160Ter)

Gene: EP300 (E1A binding protein p300; plus strand). Cytogenetic location: 22q13.2.
Variant type: single nucleotide variant.
Coding change: c.478C>T on transcript NM_001429.4 (MANE Select); coding-DNA position 478, C replaced by T.
Protein change: p.Gln160Ter; replaces glutamine 160 with a stop codon.
Molecular consequence: nonsense.
Genome position (GRCh38, 1-based): chr22:41,117,570, C>T. VCF-style: chr22-41117570-C-T. GRCh37 (hg19) VCF-style: chr22-41513574-C-T.
Other names: c.478C>T, p.Gln160Ter (NM_001362843.2); short protein forms Q160*.
Identifiers: ClinVar variation 2632645 (VCV002632645.1), dbSNP rs2145697142, ClinGen allele CA411680859.

ClinVar aggregate classification (germline): Pathogenic (1 of 4 stars; one submission).

Conditions:
EP300-related disorder. Also called: EP300-related condition; EP300-related disorders.

Submission:

PreventionGenetics, part of Exact Sciences
Classification: Pathogenic for EP300-related condition. Last evaluated: 2023-05-31. Review status: criteria provided, single submitter. Criteria: ACMG Guidelines, 2015. Collection method: clinical testing. Allele origin: germline.
Comment: The EP300 c.478C>T variant is predicted to result in premature protein termination (p.Gln160*). To our knowledge, this variant has not been reported in the literature or in a large population database, indicating this variant is rare. Nonsense variants in EP300 are expected to be pathogenic. This variant is interpreted as pathogenic.